The following is an entry in ClinVar:

ClinVar aggregate classification (germline): Uncertain significance. Review status: criteria provided, multiple submitters, no conflicts (2 of 4 stars). 2 submissions from 2 submitters: Uncertain significance (2). Last evaluated 2025-08-15.

Conditions:
Colorectal cancer, hereditary nonpolyposis, type 7. Identifiers: Orphanet 144, MedGen C1858380, MONDO:0013725, OMIM 614385.

Allele frequency attached by ClinVar (database versions not stated): gnomAD exomes below 0.00001.
gnomAD v4.1: 1 of 1,614,046 alleles (0.000062%); highest among the groups gnomAD compares: Non-Finnish European, 0.000085%; no homozygotes.

Submissions (2):

Labcorp Genetics (formerly Invitae), Labcorp
Classification: Uncertain significance for Colorectal cancer, hereditary nonpolyposis, type 7. Last evaluated: 2025-08-15. Review status: criteria provided, single submitter. Criteria: Invitae Variant Classification Sherloc (09022015). Collection method: clinical testing. Allele origin: germline.
Comment: This sequence change replaces threonine, which is neutral and polar, with serine, which is neutral and polar, at codon 621 of the MLH3 protein (p.Thr621Ser). This variant is not present in population databases (gnomAD no frequency). This variant has not been reported in the literature in individuals affected with MLH3-related conditions. ClinVar contains an entry for this variant (Variation ID: 2173650). An algorithm developed to predict the effect of missense changes on protein structure and function outputs the following: PolyPhen-2: "Benign". The serine amino acid residue is found in multiple mammalian species, which suggests that this missense change does not adversely affect protein function. In summary, the available evidence is currently insufficient to determine the role of this variant in disease. Therefore, it has been classified as a Variant of Uncertain Significance.

Ambry Genetics
Classification: Uncertain significance. Last evaluated: 2024-11-10. Review status: criteria provided, single submitter. Criteria: Ambry Variant Classification Scheme 2023. Collection method: clinical testing. Allele origin: germline.
Comment: The p.T621S variant (also known as c.1861A>T), located in coding exon 1 of the MLH3 gene, results from an A to T substitution at nucleotide position 1861. The threonine at codon 621 is replaced by serine, an amino acid with similar properties. This amino acid position is conserved. In addition, this alteration is predicted to be tolerated by in silico analysis. Based on the available evidence, the clinical significance of this variant remains unclear.

NM_001040108.2(MLH3):c.1861A>T (p.Thr621Ser)

Gene: MLH3 (mutL homolog 3; minus strand). Cytogenetic location: 14q24.3.
Variant type: single nucleotide variant.
Coding change: c.1861A>T on transcript NM_001040108.2 (MANE Select); coding-DNA position 1861, A replaced by T.
Protein change: p.Thr621Ser; replaces threonine 621 with serine.
Molecular consequence: missense variant.
Genome position (GRCh38, 1-based): chr14:75,047,795, T>A on the plus strand (A>T on the coding strand, the complement: MLH3 is on the minus strand). VCF-style: chr14-75047795-T-A. GRCh37 (hg19) VCF-style: chr14-75514498-T-A.
Other names: c.1861A>T, p.Thr621Ser (NM_014381.3); short protein forms T621S.
Identifiers: ClinVar variation 2173650 (VCV002173650.5), dbSNP rs2503284534, ClinGen allele CA390444000.